The following is an entry in ClinVar:

ClinVar aggregate classification (germline): Pathogenic. Review status: criteria provided, multiple submitters, no conflicts (2 of 4 stars). 3 submissions from 3 submitters: Pathogenic (3). Last evaluated 2025-11-14.

Conditions:
Hereditary cancer-predisposing syndrome. Also called: Neoplastic Syndromes, Hereditary; Hereditary Cancer Syndrome; Tumor predisposition; Hereditary neoplastic syndrome. Identifiers: Orphanet 140162, MedGen C0027672, MeSH D009386, MONDO:0015356.
Birt-Hogg-Dube syndrome. Also called: Birt Hogg Dubé syndrome. Identifiers: Orphanet 122, MedGen C0346010, MONDO:0800444.

Submissions (3):

Ambry Genetics
Classification: Pathogenic for Hereditary cancer-predisposing syndrome. Last evaluated: 2025-11-14. Review status: criteria provided, single submitter. Criteria: Ambry Variant Classification Scheme 2023. Collection method: clinical testing. Allele origin: germline.
Comment: The c.89delC pathogenic mutation, located in coding exon 1 of the FLCN gene, results from a deletion of one nucleotide at nucleotide position 89, causing a translational frameshift with a predicted alternate stop codon (p.P30Lfs*25). This variant is considered to be rare based on population cohorts in the Genome Aggregation Database (gnomAD). This alteration is expected to result in loss of function by premature protein truncation or nonsense-mediated mRNA decay. As such, this alteration is interpreted as a disease-causing mutation.

Labcorp Genetics (formerly Invitae), Labcorp
Classification: Pathogenic for Birt-Hogg-Dube syndrome. Last evaluated: 2025-11-09. Review status: criteria provided, single submitter. Criteria: Invitae Variant Classification Sherloc (09022015). Collection method: clinical testing. Allele origin: germline.
Comment: This sequence change creates a premature translational stop signal (p.Pro30Leufs*25) in the FLCN gene. It is expected to result in an absent or disrupted protein product. Loss-of-function variants in FLCN are known to be pathogenic (PMID: 15852235). This variant is not present in population databases (gnomAD no frequency). This variant has not been reported in the literature in individuals affected with FLCN-related conditions. ClinVar contains an entry for this variant (Variation ID: 2025829). For these reasons, this variant has been classified as Pathogenic.

ARUP Laboratories, Molecular Genetics and Genomics, ARUP Laboratories
Classification: Pathogenic. Last evaluated: 2023-11-13. Review status: criteria provided, single submitter. Criteria: ARUP Molecular Germline Variant Investigation Process 2024. Collection method: clinical testing. Allele origin: germline.
Comment: The FLCN c.89del; p.Pro30LeufsTer25 variant, to our knowledge, is not reported in the medical literature but is reported in ClinVar (Variation ID: 2025829). This variant is absent from the Genome Aggregation Database (v2.1.1), indicating it is not a common polymorphism. This variant causes a frameshift by deleting a single nucleotide, so it is predicted to result in a truncated protein or mRNA subject to nonsense-mediated decay. Based on available information, this variant is considered to be pathogenic.

Literature cited by the submitters: PubMed 15852235 (cited by Labcorp Genetics (formerly Invitae), Labcorp).

NM_144997.7(FLCN):c.89del (p.Pro30fs)

Gene: FLCN (folliculin; minus strand). Cytogenetic location: 17p11.2.
Variant type: Deletion.
Coding change: c.89del on transcript NM_144997.7 (MANE Select); coding-DNA position 89, one base deleted (C; older notation c.89delC).
Protein change: p.Pro30fs; shifts the reading frame from proline 30.
Molecular consequence: frameshift variant.
Genome position (GRCh38, 1-based): chr17:17,228,049, G deleted on the plus strand (C on the coding strand, the reverse complement: FLCN is on the minus strand); the first of 2 consecutive G bases (chr17:17,228,049-17,228,050); deleting either gives the same sequence. VCF-style (leftmost placement, unchanged base first): chr17-17228048-AG-A. GRCh37 (hg19) VCF-style: chr17-17131362-AG-A.
Other names: c.89delC (NM_144997.5); c.89del, p.Pro30fs (NM_001353229.2, NM_001353230.2, NM_001353231.2 and 1 more transcripts); short protein forms P30fs.
Identifiers: ClinVar variation 2025829 (VCV002025829.5), dbSNP rs2544312685, ClinGen allele CA2580092681.